The following is an entry in ClinVar:

NC_000019.9:g.(?_16591405)_(16593616_?)del

Gene: CALR3 (calreticulin 3; minus strand). Cytogenetic location: 19p13.11.
Variant type: Deletion.
Identifiers: ClinVar variation 3248488 (VCV003248488.1).

ClinVar aggregate classification (germline): Uncertain significance (1 of 4 stars; one submission).

Conditions:
Hypertrophic cardiomyopathy 19. Also called: Familial hypertrophic cardiomyopathy 19. Identifiers: MedGen CN077603, MONDO:0013476.

Submission:

Labcorp Genetics (formerly Invitae), Labcorp
Classification: Uncertain significance for Hypertrophic cardiomyopathy 19. Last evaluated: 2023-03-03. Review status: criteria provided, single submitter. Criteria: Invitae Variant Classification Sherloc (09022015). Collection method: clinical testing. Allele origin: unknown.
Comment: This variant is a gross deletion of the genomic region encompassing exon(s) 6-8 of the CALR3 gene. This variant would be expected to be in-frame, preserving the integrity of the reading frame. This variant has not been reported in the literature in individuals affected with CALR3-related conditions. Experimental studies and prediction algorithms are not available or were not evaluated, and the functional significance of this variant is currently unknown. In summary, the available evidence is currently insufficient to determine the role of this variant in disease. Therefore, it has been classified as a Variant of Uncertain Significance.